The following is an entry in ClinVar:

ClinVar aggregate classification (germline): Uncertain significance (1 of 4 stars; one submission).

Allele frequency attached by ClinVar (database versions not stated): ExAC 0.00001; gnomAD 0.00001; TOPMed 0.00002.
gnomAD v4.1: 5 of 1,613,908 alleles (0.00031%); highest among the groups gnomAD compares: Middle Eastern, 0.016%; no homozygotes.

Submission:

GeneDx
Classification: Uncertain significance. Last evaluated: 2014-09-23. Review status: criteria provided, single submitter. Criteria: GeneDx Variant Classification (06012015). Collection method: clinical testing. Allele origin: germline. Affected: yes.
Comment: p.Arg1919Cys (CGC>TGC): c.5755 C>T in exon 40 of the MYH11 gene (NM_002474.2). A variant of unknown significance has been identified in the MYH11 gene. The R1919C variant has not been published as a mutation, nor has it been reported as a benign polymorphism to our knowledge. The R1919C variant was not observed in approximately 6,500 individuals of European and African American ancestry in the NHLBI Exome Sequencing Project, indicating it is not a common benign variant in these populations. The R1919C variant is a non-conservative amino acid substitution, which is likely to impact secondary protein structure as these residues differ in polarity, charge, size and/or other properties. Additionally, this substitution occurs at a position that is conserved across species and in silico analysis predicts this variant is probably damaging to the protein structure/function. However, missense mutations in nearby residues have not been reported, indicating this region of the protein may be tolerant of change. Therefore, based on the currently available information, it is unclear whether this variant is a pathogenic mutation or a rare benign variant. The variant is found in TAAD panel(s).

NM_002474.3(MYH11):c.5755C>T (p.Arg1919Cys)

Genes: MYH11 (myosin heavy chain 11; minus strand), NDE1 (nudE neurodevelopment protein 1; plus strand). Cytogenetic location: 16p13.11.
Variant type: single nucleotide variant.
Coding change: c.5755C>T on transcript NM_002474.3 (MANE Select); coding-DNA position 5755, C replaced by T.
Protein change: p.Arg1919Cys; replaces arginine 1919 with cysteine.
Molecular consequence: missense variant. On other transcripts: intron variant (2).
Genome position (GRCh38, 1-based): chr16:15,714,940, G>A on the plus strand (C>T on the coding strand, the complement: MYH11 is on the minus strand). VCF-style: chr16-15714940-G-A. GRCh37 (hg19) VCF-style: chr16-15808797-G-A.
Other names: p.R1919C:CGC>TGC; c.5776C>T, p.Arg1926Cys (NM_001040113.2, NM_001040114.2); c.5755C>T, p.Arg1919Cys (NM_022844.3); c.948-9251G>A (NM_001143979.2, NM_017668.3); short protein forms R1919C, R1926C.
Identifiers: ClinVar variation 201118 (VCV000201118.2), dbSNP rs750085824, ClinGen allele CA306691.